The following is an entry in ClinVar:

NM_001041.4(SI):c.1098T>A (p.Asp366Glu)

Gene: SI (sucrase-isomaltase; minus strand). Cytogenetic location: 3q26.1.
Variant type: single nucleotide variant.
Coding change: c.1098T>A on transcript NM_001041.4 (MANE Select); coding-DNA position 1098, T replaced by A.
Protein change: p.Asp366Glu; replaces aspartic acid 366 with glutamic acid.
Molecular consequence: missense variant.
Genome position (GRCh38, 1-based): chr3:165,059,950, A>T on the plus strand (T>A on the coding strand, the complement: SI is on the minus strand). VCF-style: chr3-165059950-A-T. GRCh37 (hg19) VCF-style: chr3-164777738-A-T.
Other names: short protein forms D366E.
Identifiers: ClinVar variation 3623830 (VCV003623830.2).

ClinVar aggregate classification (germline): Uncertain significance (1 of 4 stars; one submission).

gnomAD v4.1: 10 of 1,612,048 alleles (0.00062%); highest among the groups gnomAD compares: Admixed American, 0.0017%; no homozygotes.

Submission:

Labcorp Genetics (formerly Invitae), Labcorp
Classification: Uncertain significance. Last evaluated: 2025-10-02. Review status: criteria provided, single submitter. Criteria: Invitae Variant Classification Sherloc (09022015). Collection method: clinical testing. Allele origin: germline.
Comment: This sequence change replaces aspartic acid, which is acidic and polar, with glutamic acid, which is acidic and polar, at codon 366 of the SI protein (p.Asp366Glu). This variant is present in population databases (rs143782842, gnomAD 0.002%). This variant has not been reported in the literature in individuals affected with SI-related conditions. ClinVar contains an entry for this variant (Variation ID: 3623830). Invitae Evidence Modeling of protein sequence and biophysical properties (such as structural, functional, and spatial information, amino acid conservation, physicochemical variation, residue mobility, and thermodynamic stability) indicates that this missense variant is not expected to disrupt SI protein function with a negative predictive value of 95%. In summary, the available evidence is currently insufficient to determine the role of this variant in disease. Therefore, it has been classified as a Variant of Uncertain Significance.